The following is an entry in ClinVar:

NM_001458.5(FLNC):c.1354G>A (p.Val452Met)

Gene: FLNC (filamin C; plus strand). Cytogenetic location: 7q32.1.
Variant type: single nucleotide variant.
Coding change: c.1354G>A on transcript NM_001458.5 (MANE Select); coding-DNA position 1354, G replaced by A.
Protein change: p.Val452Met; replaces valine 452 with methionine.
Molecular consequence: missense variant.
Genome position (GRCh38, 1-based): chr7:128,838,746, G>A. VCF-style: chr7-128838746-G-A. GRCh37 (hg19) VCF-style: chr7-128478800-G-A.
Other names: p.Val452Met; c.1354G>A, p.Val452Met (NM_001127487.2); short protein forms V452M.
Identifiers: ClinVar variation 471970 (VCV000471970.23), dbSNP rs192163925, ClinGen allele CA4474306.
Genomic context (GRCh38, chr7:128,838,746, plus strand): 5'-GGTGACAGCACGTTCCGCTGCACATACAGACCTGCCATGGAGGGGCCACATACCGTGCAT[G>A]TGGCCTTTGCGGGTGCCCCCATCACCCGCAGTCCCTTCCCTGTCCATGTGTCGGAAGGTA-3'
Protein context (NP_001449.3, residues 442-462): PAMEGPHTVH[Val452Met]AFAGAPITRS

ClinVar aggregate classification (germline): Conflicting classifications of pathogenicity. Review status: criteria provided, conflicting classifications (1 of 4 stars). 9 submissions from 9 submitters: Uncertain significance (1); Benign (2); Likely benign (5). 1 of the submissions does not count toward it. Last evaluated 2026-02-01.

Conditions:
Myofibrillar myopathy 5. Also called: Filaminopathy (type); FILAMINOPATHY, AUTOSOMAL DOMINANT. Identifiers: Orphanet 171445, MedGen C1836050, MONDO:0012289, OMIM 609524.
Hypertrophic cardiomyopathy 26. Also called: Cardiomyopathy, familial hypertrophic, 26. Identifiers: Orphanet 75249, MedGen C4310749, MONDO:0014883, OMIM 617047.
Distal myopathy with posterior leg and anterior hand involvement. Also called: WILLIAMS DISTAL MYOPATHY. Identifiers: Orphanet 63273, MedGen C3279722, MONDO:0013550, OMIM 614065.
FLNC-related disorder. Also called: FLNC-related condition; FLNC-related disorders.
Cardiovascular phenotype. Identifiers: MedGen CN230736.

Allele frequency attached by ClinVar (database versions not stated): gnomAD exomes 0.00002 and 0.00014; ESP Exome Variant Server 0.00008; ExAC 0.00013; gnomAD 0.00019; TOPMed 0.00019; 1000 Genomes Project 0.00040; 1000 Genomes Project 30x 0.00062.
gnomAD v4.1: 101 of 1,613,094 alleles (0.0063%); highest among the groups gnomAD compares: East Asian, 0.08%; no homozygotes.

Submissions (9):

Labcorp Genetics (formerly Invitae), Labcorp
Classification: Likely benign for Distal myopathy with posterior leg and anterior hand involvement; Myofibrillar myopathy 5; Hypertrophic cardiomyopathy 26. Last evaluated: 2026-02-01. Review status: criteria provided, single submitter. Criteria: Invitae Variant Classification Sherloc (09022015). Collection method: clinical testing. Allele origin: germline.

Revvity Omics, Revvity
Classification: Uncertain significance. Last evaluated: 2025-06-24. Review status: criteria provided, single submitter. Criteria: ACMG Guidelines, 2015. Collection method: clinical testing. Allele origin: germline.

Molecular Diagnostic Laboratory for Inherited Cardiovascular Disease, Montreal Heart Institute
Classification: Likely benign. Last evaluated: 2025-04-09. Review status: criteria provided, single submitter. Criteria: ACMG Guidelines, 2015. Collection method: clinical testing. Allele origin: germline. Affected: no.

Blueprint Genetics
Classification: Likely benign. Last evaluated: 2024-11-26. Review status: criteria provided, single submitter. Criteria: ACMG Guidelines, 2015. Collection method: clinical testing. Allele origin: germline.

Mayo Clinic Laboratories, Mayo Clinic
Classification: Benign. Last evaluated: 2024-10-21. Review status: criteria provided, single submitter. Criteria: ACMG Guidelines, 2015. Collection method: clinical testing. Allele origin: germline. Observed: 1 variant allele.
Comment: BS1, BS2

Women's Health and Genetics/Laboratory Corporation of America, LabCorp
Classification: Likely benign. Last evaluated: 2023-11-06. Review status: criteria provided, single submitter. Criteria: LabCorp Variant Classification Summary - May 2015. Collection method: clinical testing. Allele origin: germline.

Ambry Genetics
Classification: Benign for Cardiovascular phenotype. Last evaluated: 2021-03-30. Review status: criteria provided, single submitter. Criteria: Ambry Variant Classification Scheme 2023. Collection method: clinical testing. Allele origin: germline.

GeneDx
Classification: Likely benign. Last evaluated: 2019-12-10. Review status: criteria provided, single submitter. Criteria: GeneDx Variant Classification Process June 2021. Collection method: clinical testing. Allele origin: germline. Affected: yes.

PreventionGenetics, part of Exact Sciences
Classification: Likely benign for FLNC-related condition. Last evaluated: 2022-02-16. Review status: no assertion criteria provided. Collection method: clinical testing. Allele origin: germline. Not counted in ClinVar's aggregate classification.
Comment: This variant is classified as likely benign based on ACMG/AMP sequence variant interpretation guidelines (Richards et al. 2015 PMID: 25741868, with internal and published modifications).